The following is an entry in ClinVar:

NM_145331.3(MAP3K7):c.217G>A (p.Ala73Thr)

Gene: MAP3K7 (mitogen-activated protein kinase kinase kinase 7; minus strand). Cytogenetic location: 6q15.
Variant type: single nucleotide variant.
Coding change: c.217G>A on transcript NM_145331.3 (MANE Select); coding-DNA position 217, G replaced by A.
Protein change: p.Ala73Thr; replaces alanine 73 with threonine.
Molecular consequence: missense variant.
Genome position (GRCh38, 1-based): chr6:90,571,711, C>T on the plus strand (G>A on the coding strand, the complement: MAP3K7 is on the minus strand). VCF-style: chr6-90571711-C-T. GRCh37 (hg19) VCF-style: chr6-91281430-C-T.
Other names: c.217G>A, p.Ala73Thr (NM_003188.4, NM_145332.3, NM_145333.3); short protein forms A73T.
Identifiers: ClinVar variation 3644937 (VCV003644937.2).

ClinVar aggregate classification (germline): Uncertain significance (1 of 4 stars; one submission).

Submission:

Labcorp Genetics (formerly Invitae), Labcorp
Classification: Uncertain significance. Last evaluated: 2024-03-07. Review status: criteria provided, single submitter. Criteria: Invitae Variant Classification Sherloc (09022015). Collection method: clinical testing. Allele origin: germline.
Comment: This sequence change replaces alanine, which is neutral and non-polar, with threonine, which is neutral and polar, at codon 73 of the MAP3K7 protein (p.Ala73Thr). This variant is not present in population databases (gnomAD no frequency). This variant has not been reported in the literature in individuals affected with MAP3K7-related conditions. An algorithm developed to predict the effect of missense changes on protein structure and function (PolyPhen-2) suggests that this variant is likely to be disruptive. In summary, the available evidence is currently insufficient to determine the role of this variant in disease. Therefore, it has been classified as a Variant of Uncertain Significance.